The following is an entry in ClinVar:

NM_138800.3(TRIM43):c.1134G>A (p.Lys378=)

Gene: TRIM43 (tripartite motif containing 43). Cytogenetic location: 2q11.1.
Variant type: single nucleotide variant.
Coding change: c.1134G>A on transcript NM_138800.3 (MANE Select); coding-DNA position 1134, G replaced by A.
Protein change: p.Lys378=; no amino-acid change (lysine 378 retained).
Molecular consequence: synonymous variant.
Genome position (GRCh38, 1-based): chr2:95,599,366, G>A. VCF-style: chr2-95599366-G-A. GRCh37 (hg19) VCF-style: chr2-96265114-G-A.
Identifiers: ClinVar variation 4534264 (VCV004534264.6).

ClinVar aggregate classification (germline): Likely benign (1 of 4 stars; one submission).

Submission:

CeGaT Center for Human Genetics Tuebingen
Classification: Likely benign. Last evaluated: 2025-10-01. Review status: criteria provided, single submitter. Criteria: CeGaT Center For Human Genetics Tuebingen Variant Classification Criteria Version 2. Collection method: clinical testing. Allele origin: germline. Affected: yes. Observed: 1 variant allele.
Comment: TRIM43: BP4, BP7